The following is an entry in ClinVar:

ClinVar aggregate classification (germline): Uncertain significance. Review status: criteria provided, multiple submitters, no conflicts (2 of 4 stars). 2 submissions from 2 submitters: Uncertain significance (2). Last evaluated 2019-11-15.

Conditions:
Inborn genetic diseases. Identifiers: MedGen C0950123, MeSH D030342.

Allele frequency attached by ClinVar (database versions not stated): TOPMed below 0.00001.

Submissions (2):

GeneDx
Classification: Uncertain significance. Last evaluated: 2019-11-15. Review status: criteria provided, single submitter. Criteria: GeneDx Variant Classification Process June 2021. Collection method: clinical testing. Allele origin: germline. Affected: yes.
Comment: Not observed in large population cohorts (Lek et al., 2016); The majority of missense variants in this gene are considered pathogenic (Stenson et al., 2014); In silico analysis, which includes protein predictors and evolutionary conservation, supports that this variant does not alter protein structure/function; Has not been previously published as pathogenic or benign to our knowledge

Ambry Genetics
Classification: Uncertain significance for Inborn genetic diseases. Last evaluated: 2017-10-05. Review status: criteria provided, single submitter. Criteria: Ambry Variant Classification Scheme 2023. Collection method: clinical testing. Allele origin: germline.
Comment: The p.C209R variant (also known as c.625T>C), located in coding exon 4 of the DHCR7 gene, results from a T to C substitution at nucleotide position 625. The cysteine at codon 209 is replaced by arginine, an amino acid with highly dissimilar properties. This amino acid position is highly conserved in available vertebrate species. In addition, this alteration is predicted to be deleterious by in silico analysis. Since supporting evidence is limited at this time, the clinical significance of this alteration remains unclear.

NM_001360.3(DHCR7):c.625T>C (p.Cys209Arg)

Gene: DHCR7 (7-dehydrocholesterol reductase; minus strand). Cytogenetic location: 11q13.4.
Variant type: single nucleotide variant.
Coding change: c.625T>C on transcript NM_001360.3 (MANE Select); coding-DNA position 625, T replaced by C.
Protein change: p.Cys209Arg; replaces cysteine 209 with arginine.
Molecular consequence: missense variant.
Genome position (GRCh38, 1-based): chr11:71,441,228, A>G on the plus strand (T>C on the coding strand, the complement: DHCR7 is on the minus strand). VCF-style: chr11-71441228-A-G. GRCh37 (hg19) VCF-style: chr11-71152274-A-G.
Other names: c.625T>C, p.Cys209Arg (NM_001163817.2); short protein forms C209R.
Identifiers: ClinVar variation 1310330 (VCV001310330.4), dbSNP rs1949344218, ClinGen allele CA381694283.